The following is an entry in ClinVar:

NM_000257.4(MYH7):c.2680G>A (p.Glu894Lys)

Gene: MYH7 (myosin heavy chain 7; minus strand). Cytogenetic location: 14q11.2.
Variant type: single nucleotide variant.
Coding change: c.2680G>A on transcript NM_000257.4 (MANE Select); coding-DNA position 2680, G replaced by A.
Protein change: p.Glu894Lys; replaces glutamic acid 894 with lysine.
Molecular consequence: missense variant.
Genome position (GRCh38, 1-based): chr14:23,424,149, C>T on the plus strand (G>A on the coding strand, the complement: MYH7 is on the minus strand). VCF-style: chr14-23424149-C-T. GRCh37 (hg19) VCF-style: chr14-23893358-C-T.
Other names: c.2680G>A (NM_000257.3); short protein forms E894K.
Identifiers: ClinVar variation 1329405 (VCV001329405.12), dbSNP rs2138664054, ClinGen allele CA389047403.

ClinVar aggregate classification (germline): Conflicting classifications of pathogenicity. Review status: criteria provided, conflicting classifications (1 of 4 stars). 6 submissions from 6 submitters: Likely pathogenic (3); Uncertain significance (3). Last evaluated 2026-09-26.

Conditions:
Hypertrophic cardiomyopathy 1 (CMH1). Also called: Familial hypertrophic cardiomyopathy 1; MYH7-Related Familial Hypertrophic Cardiomyopathy. Identifiers: MedGen C3495498, MONDO:0008647, OMIM 192600.
Cardiovascular phenotype. Identifiers: MedGen CN230736.
MYH7-related disorder. Also called: MYH7-related condition; MYH7-related disease; MYH7-related disorders.
Cardiomyopathy (CMYO). Also called: Cardiomyopathies. Identifiers: Orphanet 167848, MedGen C0878544, MONDO:0004994, HP:0001638. Inheritance: Various modes of inheritance.
Hypertrophic cardiomyopathy. Also called: HYPERTROPHIC MYOCARDIOPATHY. Identifiers: Orphanet 217569, MedGen C0007194, MeSH D002312, MONDO:0005045, HP:0001639.

Allele frequency attached by ClinVar (database versions not stated): gnomAD exomes below 0.00001.
gnomAD v4.1: 2 of 1,614,066 alleles (0.00012%); highest among the groups gnomAD compares: East Asian, 0.0022%; no homozygotes.

Submissions (6):

PreventionGenetics, part of Exact Sciences
Classification: Likely pathogenic for MYH7-related condition. Last evaluated: 2026-09-26. Review status: criteria provided, single submitter. Criteria: ACMG Guidelines, 2015. Collection method: clinical testing. Allele origin: germline.
Comment: The MYH7 c.2680G>A variant is predicted to result in the amino acid substitution p.Glu894Lys. This variant has been reported in multiple individuals with hypertrophic cardiomyopathy (HCM, Supplementary Table 1, Wang et al. 2014. PubMed ID: 25132132; Table S1A, Walsh et al. 2016. PubMed ID: 27532257; Table S8, McGurk et al. 2023. PubMed ID: 37652022; Supplementary Table 1, Kim et al. 2024. PubMed ID: 39237976; Table S11, Josephs et al. 2024. PubMed ID: 39472908). Alternate missense changes at the same amino acid position (p.Glu894Gln, p.Glu894Gly) have been reported in individuals with HCM (Supplemental Table 1, Bos et al. 2014. PubMed ID: 24793961; Van Driest et al. 2004. PubMed ID: 15358028). This variant has not been reported in a large population database (gnomAD), indicating this variant is rare. This variant is interpreted as likely pathogenic.

Ambry Genetics
Classification: Uncertain significance for Cardiovascular phenotype. Last evaluated: 2026-01-26. Review status: criteria provided, single submitter. Criteria: Ambry Variant Classification Scheme 2023. Collection method: clinical testing. Allele origin: germline.
Comment: The p.E894K variant (also known as c.2680G>A) is located in coding exon 21 of the MYH7 gene. The glutamic acid at codon 894 is replaced by lysine, an amino acid with similar properties. This variant is located in the myosin head domain, which contains a statistically significant clustering of pathogenic missense variants (Homburger JR et al. Proc Natl Acad Sci U S A, 2016 06;113:6701-6; Walsh R et al. Genet Med, 2017 02;19:192-203; Ambry internal data). This variant was reported in individual(s) with features consistent with MYH7-related cardiomyopathy (Wang J et al. Eur. J. Heart Fail., 2014 Sep;16:950-7; Walsh R et al. Genet. Med., 2017 Feb;19:192-203, Kim OH et al. BMC Med Genomics, 2024 Sep;17:225, Ambry internal data). This variant is considered to be rare based on population cohorts in the Genome Aggregation Database (gnomAD). This amino acid position is highly conserved in available vertebrate species. In addition, this alteration is predicted to be deleterious by in silico analysis. Since supporting evidence is limited at this time, the clinical significance of this alteration remains unclear.

Labcorp Genetics (formerly Invitae), Labcorp
Classification: Uncertain significance for Hypertrophic cardiomyopathy. Last evaluated: 2025-10-29. Review status: criteria provided, single submitter. Criteria: Invitae Variant Classification Sherloc (09022015). Collection method: clinical testing. Allele origin: germline.
Comment: This sequence change replaces glutamic acid, which is acidic and polar, with lysine, which is basic and polar, at codon 894 of the MYH7 protein (p.Glu894Lys). This variant is not present in population databases (gnomAD no frequency). This missense change has been observed in individuals with hypertrophic cardiomyopathy (PMID: 25132132, 27532257, 37652022, 39237976, 39472908; internal data). ClinVar contains an entry for this variant (Variation ID: 1329405). An algorithm developed to predict the effect of missense changes on protein structure and function (PolyPhen-2) suggests that this variant is likely to be disruptive. This variant disrupts the p.Glu894 amino acid residue in MYH7. Other variant(s) that disrupt this residue have been determined to be pathogenic (PMID: 15358028, 15519027, 15858117, 21511876, 26914223; internal data). This suggests that this residue is clinically significant, and that variants that disrupt this residue are likely to be disease-causing. In summary, the available evidence is currently insufficient to determine the role of this variant in disease. Therefore, it has been classified as a Variant of Uncertain Significance.

3billion
Classification: Likely pathogenic for Hypertrophic cardiomyopathy 1. Last evaluated: 2025-09-02. Review status: criteria provided, single submitter. Criteria: ACMG Guidelines, 2015. Collection method: clinical testing. Allele origin: germline. Affected: yes.
Comment: The variant is observed at an extremely low frequency in the gnomAD v4.1.0 dataset (total allele frequency: <0.001%). Predicted Consequence/Location: The variant is located in a mutational hot spot and/or well-established functional domain in which established pathogenic variants have been reported (PMID: 29300372). In silico tool predictions suggest damaging effect of the variant on gene or gene product [REVEL: 0.94 (>=0.6, sensitivity 0.68 and specificity 0.92); 3Cnet: 0.99 (> 0.75, sensitivity 0.96 and precision 0.92)]. The same nucleotide change resulting in the same amino acid change has been previously reported to be associated with MYH7-related disorder (ClinVar ID: VCV001329405 /PMID: 25132132 /3billion dataset). Different missense changes at the same codon (p.Glu894Gln, p.Glu894Gly) have been reported as pathogenic/likely pathogenic with strong evidence (ClinVar ID: VCV000042922 /PMID: 15358028, 24793961). Therefore, this variant is classified as Likely pathogenic according to the recommendation of ACMG/AMP guideline.

Blueprint Genetics
Classification: Likely pathogenic for MYH7-related disorders. Last evaluated: 2020-11-17. Review status: criteria provided, single submitter. Criteria: ACMG Guidelines, 2015. Collection method: clinical testing. Allele origin: germline. Affected: yes. Observed: 5 variant alleles.

CHEO Genetics Diagnostic Laboratory, Children's Hospital of Eastern Ontario
Classification: Uncertain significance for Cardiomyopathy. Last evaluated: 2019-10-16. Review status: criteria provided, single submitter. Criteria: ACMG Guidelines, 2015. Collection method: clinical testing. Allele origin: germline.

Literature cited by the submitters: PubMed 25132132 (cited by 3 submitters); PubMed 27532257 (cited by Ambry Genetics and Labcorp Genetics (formerly Invitae), Labcorp); PubMed 39237976 (cited by Ambry Genetics and Labcorp Genetics (formerly Invitae), Labcorp); PubMed 37652022 (cited by Labcorp Genetics (formerly Invitae), Labcorp); PubMed 39472908 (cited by Labcorp Genetics (formerly Invitae), Labcorp); PubMed 15358028 (cited by Labcorp Genetics (formerly Invitae), Labcorp and 3billion); PubMed 15519027 (cited by Labcorp Genetics (formerly Invitae), Labcorp); PubMed 15858117 (cited by Labcorp Genetics (formerly Invitae), Labcorp); PubMed 21511876 (cited by Labcorp Genetics (formerly Invitae), Labcorp); PubMed 26914223 (cited by Labcorp Genetics (formerly Invitae), Labcorp).